The following is an entry in ClinVar:

NM_001278669.2(NFATC1):c.1115C>A (p.Ser372Tyr)

Gene: NFATC1 (nuclear factor of activated T cells 1; plus strand). Cytogenetic location: 18q23.
Variant type: single nucleotide variant.
Coding change: c.1115C>A on transcript NM_001278669.2 (MANE Select); coding-DNA position 1115, C replaced by A.
Protein change: p.Ser372Tyr; replaces serine 372 with tyrosine.
Molecular consequence: missense variant. On other transcripts: intron variant (2).
Genome position (GRCh38, 1-based): chr18:79,411,390, C>A. VCF-style: chr18-79411390-C-A. GRCh37 (hg19) VCF-style: chr18-77171390-C-A.
Other names: c.1115C>A, p.Ser372Tyr (NM_001278670.2, NM_006162.5, NM_172390.3); c.1076C>A, p.Ser359Tyr (NM_001278672.2, NM_001278675.2, NM_172387.3 and 1 more transcripts); c.-191+15039C>A (NM_172388.3); c.-191+10911C>A (NM_001278673.2); short protein forms S372Y, S359Y.
Identifiers: ClinVar variation 2757811 (VCV002757811.3), dbSNP rs141310123, ClinGen allele CA9009044.

ClinVar aggregate classification (germline): Uncertain significance (1 of 4 stars; one submission).

Allele frequency attached by ClinVar (database versions not stated): ESP Exome Variant Server 0.00015.
gnomAD v4.1: 597 of 1,577,838 alleles (0.038%); highest among the groups gnomAD compares: Non-Finnish European, 0.047%; 1 homozygote.

Submission:

Labcorp Genetics (formerly Invitae), Labcorp
Classification: Uncertain significance. Last evaluated: 2025-08-03. Review status: criteria provided, single submitter. Criteria: Invitae Variant Classification Sherloc (09022015). Collection method: clinical testing. Allele origin: germline.
Comment: This sequence change replaces serine, which is neutral and polar, with tyrosine, which is neutral and polar, at codon 372 of the NFATC1 protein (p.Ser372Tyr). This variant is present in population databases (rs141310123, gnomAD 0.04%). This variant has not been reported in the literature in individuals affected with NFATC1-related conditions. ClinVar contains an entry for this variant (Variation ID: 2757811). An algorithm developed to predict the effect of missense changes on protein structure and function (PolyPhen-2) suggests that this variant is likely to be disruptive. In summary, the available evidence is currently insufficient to determine the role of this variant in disease. Therefore, it has been classified as a Variant of Uncertain Significance.